The following is an entry in ClinVar:

ClinVar aggregate classification (germline): Conflicting classifications of pathogenicity. Review status: criteria provided, conflicting classifications (1 of 4 stars). 2 submissions from 2 submitters: Likely pathogenic (1); Uncertain significance (1). Last evaluated 2026-01-26.

Conditions:
MYBPC3-related disorder. Also called: MYBPC3-related disorders; MYBPC3-related condition; MYBPC3-related disease.

gnomAD v4.1: 6 of 1,548,364 alleles (0.00039%); highest among the groups gnomAD compares: Non-Finnish European, 0.00052%; no homozygotes.

Submissions (2):

PreventionGenetics, part of Exact Sciences
Classification: Likely pathogenic for MYBPC3-related condition. Last evaluated: 2026-01-26. Review status: criteria provided, single submitter. Criteria: ACMG Guidelines, 2015. Collection method: clinical testing. Allele origin: germline.
Comment: The MYBPC3 c.1224-21A>G variant is predicted to interfere with splicing. This variant has been reported in an individual with hypertrophic cardiomyopathy (Lopes et al. 2020. PubMed ID: 32396390). Both cell-based minigene assay and blood RNA analysis supported that this intronic variant could result in the activation of a cryptic splice site and lead to a frameshift and premature protein termination, r.1223_1224ins1224-20_1224-1 (p.Lys409GlyfsTer20) (Table S1, Wai et al. 2020. PubMed ID: 32123317; Putscher et al. 2021. PubMed ID: 34068052; Table 3). This variant has not been reported in a large population database, indicating this variant is rare. Other deep intronic variants within this intron (c.1224-19G>A, c.1224-52G>A, c.1224-80G>A) have also been documented to be causative for hypertrophic cardiomyopathy (Mendes de Almeida et al. 2017. PubMed ID: 28797094; Lopes et al. 2020. PubMed ID: 32396390; ClinVar IDs #138326, #188544, #693982). Taken together, the c.1224-21A>G variant is interpreted as likely pathogenic.

GeneDx
Classification: Uncertain significance. Last evaluated: 2025-05-27. Review status: criteria provided, single submitter. Criteria: GeneDx Variant Classification Process June 2021. Collection method: clinical testing. Allele origin: germline. Affected: yes.
Comment: Reported in association with hypertrophic cardiomyopathy in published literature (PMID: 32396390); Not observed at significant frequency in large population cohorts (gnomAD); Published functional studies suggest a damaging effect as this variant leads to an alternative splice site; however, additional studies are needed to validate the functional effect of this variant in vivo (PMID: 32123317); In silico analysis supports a deleterious effect on splicing; This variant is associated with the following publications: (PMID: 34068052, 34663891, 32123317, 32396390)

NM_000256.3(MYBPC3):c.1224-21A>G

Gene: MYBPC3 (myosin binding protein C3; minus strand). Cytogenetic location: 11p11.2.
Variant type: single nucleotide variant.
Coding change: c.1224-21A>G on transcript NM_000256.3 (MANE Select); 21 bases into the intron before coding-DNA position 1224, A replaced by G.
Molecular consequence: intron variant.
Genome position (GRCh38, 1-based): chr11:47,343,283, T>C on the plus strand (A>G on the coding strand, the complement: MYBPC3 is on the minus strand). VCF-style: chr11-47343283-T-C. GRCh37 (hg19) VCF-style: chr11-47364834-T-C.
Identifiers: ClinVar variation 1180864 (VCV001180864.4), dbSNP rs1178447240, ClinGen allele CA2499220978.